The following is an entry in ClinVar:

ClinVar aggregate classification (germline): Uncertain significance (1 of 4 stars; one submission).

Allele frequency attached by ClinVar (database versions not stated): ExAC 0.00001; TOPMed 0.00002; gnomAD 0.00002; gnomAD exomes 0.00004.
gnomAD v4.1: 57 of 1,610,908 alleles (0.0035%); highest among the groups gnomAD compares: Non-Finnish European, 0.0047%; no homozygotes.

Submission:

Labcorp Genetics (formerly Invitae), Labcorp
Classification: Uncertain significance. Last evaluated: 2024-08-26. Review status: criteria provided, single submitter. Criteria: Invitae Variant Classification Sherloc (09022015). Collection method: clinical testing. Allele origin: germline.
Comment: This sequence change affects a donor splice site in intron 15 of the TAOK2 gene. It is expected to disrupt RNA splicing. Variants that disrupt the donor or acceptor splice site typically lead to a loss of protein function (PMID: 16199547), however the current clinical and genetic evidence is not sufficient to establish whether loss-of-function variants in TAOK2 cause disease. This variant is present in population databases (rs775805699, gnomAD 0.004%). This variant has not been reported in the literature in individuals affected with TAOK2-related conditions. ClinVar contains an entry for this variant (Variation ID: 2076663). Algorithms developed to predict the effect of sequence changes on RNA splicing suggest that this variant may disrupt the consensus splice site. In summary, the available evidence is currently insufficient to determine the role of this variant in disease. Therefore, it has been classified as a Variant of Uncertain Significance.

Literature cited by the submitters: PubMed 16199547.

NM_016151.4(TAOK2):c.1992+2T>C

Gene: TAOK2 (TAO kinase 2; plus strand). Cytogenetic location: 16p11.2.
Variant type: single nucleotide variant.
Coding change: c.1992+2T>C on transcript NM_016151.4 (MANE Select); the canonical splice donor site of the intron after coding-DNA position 1992, T replaced by C.
Molecular consequence: splice donor variant.
Genome position (GRCh38, 1-based): chr16:29,985,863, T>C. VCF-style: chr16-29985863-T-C. GRCh37 (hg19) VCF-style: chr16-29997184-T-C.
Other names: c.1992+2T>C (NM_004783.4, NM_001252043.2).
Identifiers: ClinVar variation 2076663 (VCV002076663.4), dbSNP rs775805699, ClinGen allele CA7998269.